The following is an entry in ClinVar:

NM_173630.4(RTTN):c.5420A>G (p.Lys1807Arg)

Genes: RTTN (rotatin; minus strand), LOC126862785 (MED14-independent group 3 enhancer GRCh37_chr18:67714790-67715989; plus strand). Cytogenetic location: 18q22.2.
Variant type: single nucleotide variant.
Coding change: c.5420A>G on transcript NM_173630.4 (MANE Select); coding-DNA position 5420, A replaced by G.
Protein change: p.Lys1807Arg; replaces lysine 1807 with arginine.
Molecular consequence: missense variant.
Genome position (GRCh38, 1-based): chr18:70,048,092, T>C on the plus strand (A>G on the coding strand, the complement: RTTN is on the minus strand). VCF-style: chr18-70048092-T-C. GRCh37 (hg19) VCF-style: chr18-67715328-T-C.
Other names: c.2684A>G, p.Lys895Arg (NM_001318520.2); short protein forms K1807R, K895R.
Identifiers: ClinVar variation 3252889 (VCV003252889.1), dbSNP rs945727924.

ClinVar aggregate classification (germline): Uncertain significance (1 of 4 stars; one submission).

Allele frequency attached by ClinVar (database versions not stated): gnomAD 0.00001; gnomAD exomes 0.00001; TOPMed 0.00001.
gnomAD v4.1: 12 of 1,614,004 alleles (0.00074%); highest among the groups gnomAD compares: Non-Finnish European, 0.001%; no homozygotes.

Submission:

GeneDx
Classification: Uncertain significance. Last evaluated: 2023-10-17. Review status: criteria provided, single submitter. Criteria: GeneDx Variant Classification Process June 2021. Collection method: clinical testing. Allele origin: germline. Affected: yes.
Comment: Not observed at significant frequency in large population cohorts (gnomAD); In silico analysis supports that this missense variant does not alter protein structure/function; Has not been previously published as pathogenic or benign to our knowledge